The following is an entry in ClinVar:

ClinVar aggregate classification (germline): Uncertain significance. Review status: criteria provided, multiple submitters, no conflicts (2 of 4 stars). 2 submissions from 2 submitters: Uncertain significance (2). Last evaluated 2025-07-23.

Conditions:
Hereditary cancer-predisposing syndrome. Also called: Hereditary neoplastic syndrome; Neoplastic Syndromes, Hereditary; Tumor predisposition; Hereditary Cancer Syndrome. Identifiers: Orphanet 140162, MedGen C0027672, MeSH D009386, MONDO:0015356.

Allele frequency attached by ClinVar (database versions not stated): TOPMed below 0.00001.
gnomAD v4.1: 2 of 1,613,250 alleles (0.00012%); highest among the groups gnomAD compares: Non-Finnish European, 0.000085%; no homozygotes.

Submissions (2):

Labcorp Genetics (formerly Invitae), Labcorp
Classification: Uncertain significance. Last evaluated: 2025-07-23. Review status: criteria provided, single submitter. Criteria: Invitae Variant Classification Sherloc (09022015). Collection method: clinical testing. Allele origin: germline.
Comment: This sequence change replaces glutamine, which is neutral and polar, with histidine, which is basic and polar, at codon 1851 of the POLE protein (p.Gln1851His). This variant is not present in population databases (gnomAD no frequency). This variant has not been reported in the literature in individuals affected with POLE-related conditions. ClinVar contains an entry for this variant (Variation ID: 949093). An algorithm developed to predict the effect of missense changes on protein structure and function (PolyPhen-2) suggests that this variant is likely to be disruptive. Algorithms developed to predict the effect of sequence changes on RNA splicing suggest that this variant may disrupt the consensus splice site. In summary, the available evidence is currently insufficient to determine the role of this variant in disease. Therefore, it has been classified as a Variant of Uncertain Significance.

Ambry Genetics
Classification: Uncertain significance for Hereditary cancer-predisposing syndrome. Last evaluated: 2021-09-04. Review status: criteria provided, single submitter. Criteria: Ambry Variant Classification Scheme 2023. Collection method: clinical testing. Allele origin: germline.
Comment: The p.Q1851H variant (also known as c.5553G>T) is located in coding exon 41 of the POLE gene. The glutamine at codon 1851 is replaced by histidine, an amino acid with highly similar properties. This change occurs in the first base pair of coding exon 41. This amino acid position is conserved. In addition, the in silico prediction for this alteration is inconclusive. Since supporting evidence is limited at this time, the clinical significance of this alteration remains unclear.

NM_006231.4(POLE):c.5553G>T (p.Gln1851His)

Gene: POLE (DNA polymerase epsilon, catalytic subunit; minus strand). Cytogenetic location: 12q24.33.
Variant type: single nucleotide variant.
Coding change: c.5553G>T on transcript NM_006231.4 (MANE Select); coding-DNA position 5553, G replaced by T.
Protein change: p.Gln1851His; replaces glutamine 1851 with histidine.
Molecular consequence: missense variant.
Genome position (GRCh38, 1-based): chr12:132,638,139, C>A on the plus strand (G>T on the coding strand, the complement: POLE is on the minus strand). VCF-style: chr12-132638139-C-A. GRCh37 (hg19) VCF-style: chr12-133214725-C-A.
Other names: short protein forms Q1851H.
Identifiers: ClinVar variation 949093 (VCV000949093.12), dbSNP rs1187751865, ClinGen allele CA387374219.